The following is an entry in ClinVar:

ClinVar aggregate classification (germline): Pathogenic. Review status: criteria provided, single submitter (1 of 4 stars). 2 submissions from 2 submitters: Pathogenic (1). 1 of the submissions does not count toward it. Last evaluated 2024-06-10.

Conditions:
Mucolipidosis type II. Also called: Mucolipidosis II Alpha/Beta; Mucolipidosis 2; ML 2; Inclusion cell disease; Leroy Disease; N-acetylglucosamine 1phosphotransferase deficiency. Identifiers: Orphanet 576, MedGen C2673377, MONDO:0009650, OMIM 252500.
Pseudo-Hurler polydystrophy. Also called: MUCOLIPIDOSIS IIIA; ML IIIA; Mucolipidosis III Alpha/Beta; Type III Mucolipidosis; ML III; ML III ALPHA/BETA. Identifiers: Orphanet 423461, Orphanet 577, MedGen C0033788, MONDO:0018931, OMIM 252600.

Allele frequency attached by ClinVar (database versions not stated): gnomAD exomes below 0.00001; TOPMed below 0.00001; ExAC 0.00001; ESP Exome Variant Server 0.00008.

Submissions (2):

Labcorp Genetics (formerly Invitae), Labcorp
Classification: Pathogenic for Pseudo-Hurler polydystrophy; Mucolipidosis type II. Last evaluated: 2024-06-10. Review status: criteria provided, single submitter. Criteria: Invitae Variant Classification Sherloc (09022015). Collection method: clinical testing. Allele origin: germline.
Comment: This sequence change creates a premature translational stop signal (p.Thr873Asnfs*2) in the GNPTAB gene. It is expected to result in an absent or disrupted protein product. Loss-of-function variants in GNPTAB are known to be pathogenic (PMID: 19617216, 25107912). This variant is present in population databases (rs752874974, gnomAD 0.01%). This variant has not been reported in the literature in individuals affected with GNPTAB-related conditions. ClinVar contains an entry for this variant (Variation ID: 552925). Algorithms developed to predict the effect of sequence changes on RNA splicing suggest that this variant may disrupt the consensus splice site. For these reasons, this variant has been classified as Pathogenic.

Counsyl
Classification: Likely pathogenic for Mucolipidosis type II; Pseudo-Hurler polydystrophy. Last evaluated: 2017-07-18. Review status: no assertion criteria provided. Collection method: clinical testing. Allele origin: unknown. Not counted in ClinVar's aggregate classification.

Literature cited by the submitters: PubMed 19617216 (cited by Labcorp Genetics (formerly Invitae), Labcorp); PubMed 25107912 (cited by Labcorp Genetics (formerly Invitae), Labcorp).

NM_024312.5(GNPTAB):c.2617dup (p.Thr873fs)

Gene: GNPTAB (N-acetylglucosamine-1-phosphate transferase subunits alpha and beta; minus strand). Cytogenetic location: 12q23.2.
Variant type: Duplication.
Coding change: c.2617dup on transcript NM_024312.5 (MANE Select); coding-DNA position 2617, one base duplicated (A; older notation c.2617dupA).
Protein change: p.Thr873fs; shifts the reading frame from threonine 873.
Molecular consequence: frameshift variant.
Genome position (GRCh38, 1-based): chr12:101,764,300, T duplicated on the plus strand (A on the coding strand, the reverse complement: GNPTAB is on the minus strand). VCF-style (leftmost placement, unchanged base first): chr12-101764299-G-GT. GRCh37 (hg19) VCF-style: chr12-102158077-G-GT.
Other names: c.2617dupA (NM_024312.4); short protein forms T873fs.
Identifiers: ClinVar variation 552925 (VCV000552925.8), dbSNP rs752874974, ClinGen allele CA6746401.
Genomic context (GRCh38, chr12:101,764,299, plus strand): 5'-GGCAAAAAGCCCAAGTAACTATCTGTGTAATGCTGCAGCTTTCTTCCAAGTAACACTTCA[G>GT]TAACGCCTATGTGATTTTCAGCATTTTCCTCCATTCTACTGTTCTCTTTTTCTTTCCCTG-3'